The following is an entry in ClinVar:

ClinVar aggregate classification (germline): Pathogenic (1 of 4 stars; one submission).

Conditions:
Multiple congenital exostosis (EXT). Also called: Multiple exostoses; Hereditary multiple osteochondromas; Hereditary multiple exostoses; Hereditary multiple exostosis; Multiple osteochondromas; MULTIPLE CARTILAGINOUS EXOSTOSES. Identifiers: Orphanet 321, MedGen C0015306, MONDO:0005508, HP:0002762.

Submission:

Labcorp Genetics (formerly Invitae), Labcorp
Classification: Pathogenic for Multiple congenital exostosis. Last evaluated: 2019-10-09. Review status: criteria provided, single submitter. Criteria: Invitae Variant Classification Sherloc (09022015). Collection method: clinical testing. Allele origin: germline.
Comment: For these reasons, this variant has been classified as Pathogenic. Loss-of-function variants in EXT1 are known to be pathogenic (PMID: 10679937, 11391482, 19810120). This variant has not been reported in the literature in individuals with EXT1-related conditions. This variant is not present in population databases (ExAC no frequency). This sequence change creates a premature translational stop signal (p.Val561Glnfs*3) in the EXT1 gene. It is expected to result in an absent or disrupted protein product.

Literature cited by the submitters: PubMed 10679937; PubMed 11391482; PubMed 19810120.

NM_000127.3(EXT1):c.1677_1681del (p.Val561fs)

Gene: EXT1 (exostosin glycosyltransferase 1; minus strand). Cytogenetic location: 8q24.11.
Variant type: Deletion.
Coding change: c.1677_1681del on transcript NM_000127.3 (MANE Select); coding-DNA positions 1677 to 1681, 5 bases deleted (CGCCG; older notation c.1677_1681delCGCCG).
Protein change: p.Val561fs; shifts the reading frame from valine 561.
Molecular consequence: frameshift variant.
Genome position (GRCh38, 1-based): chr8:117,812,913-117,812,917, CGGCG deleted on the plus strand (CGCCG on the coding strand, the reverse complement: EXT1 is on the minus strand). VCF-style (leftmost placement, unchanged base first): chr8-117812912-ACGGCG-A. GRCh37 (hg19) VCF-style: chr8-118825151-ACGGCG-A.
Other names: short protein forms V561fs.
Identifiers: ClinVar variation 962979 (VCV000962979.7), dbSNP rs1823351882, ClinGen allele CA1139660719.